The following is an entry in ClinVar:

ClinVar aggregate classification (germline): Conflicting classifications of pathogenicity. Review status: criteria provided, conflicting classifications (1 of 4 stars). 4 submissions from 4 submitters: Uncertain significance (3); Likely benign (1). Last evaluated 2024-09-24.

Conditions:
Kufor-Rakeb syndrome (KRS). Also called: PARKINSON DISEASE 9, AUTOSOMAL RECESSIVE, JUVENILE-ONSET. Identifiers: Orphanet 306674, Orphanet 314632, MedGen C1847640, MONDO:0011706, OMIM 606693.
Autosomal recessive spastic paraplegia type 78. Identifiers: Orphanet 513436, MedGen C5567893, MONDO:0014975, OMIM 617225.
Inborn genetic diseases. Identifiers: MedGen C0950123, MeSH D030342.

Allele frequency attached by ClinVar (database versions not stated): ExAC 0.00002; gnomAD exomes 0.00002 and 0.00004; TOPMed 0.00002; gnomAD 0.00004.
gnomAD v4.1: 38 of 1,613,934 alleles (0.0024%); highest among the groups gnomAD compares: Admixed American, 0.0067%; no homozygotes.

Submissions (4):

Mayo Clinic Laboratories, Mayo Clinic
Classification: Uncertain significance. Last evaluated: 2024-09-24. Review status: criteria provided, single submitter. Criteria: ACMG Guidelines, 2015. Collection method: clinical testing. Allele origin: germline. Observed: 1 variant allele.

Ambry Genetics
Classification: Likely benign for Inborn genetic diseases. Last evaluated: 2023-10-13. Review status: criteria provided, single submitter. Criteria: Ambry Variant Classification Scheme 2023. Collection method: clinical testing. Allele origin: germline.

Labcorp Genetics (formerly Invitae), Labcorp
Classification: Uncertain significance for Kufor-Rakeb syndrome; Autosomal recessive spastic paraplegia type 78. Last evaluated: 2022-02-22. Review status: criteria provided, single submitter. Criteria: Invitae Variant Classification Sherloc (09022015). Collection method: clinical testing. Allele origin: germline.
Comment: In summary, the available evidence is currently insufficient to determine the role of this variant in disease. Therefore, it has been classified as a Variant of Uncertain Significance. Advanced modeling of protein sequence and biophysical properties (such as structural, functional, and spatial information, amino acid conservation, physicochemical variation, residue mobility, and thermodynamic stability) performed at Invitae indicates that this missense variant is expected to disrupt ATP13A2 protein function. ClinVar contains an entry for this variant (Variation ID: 875293). This variant has not been reported in the literature in individuals affected with ATP13A2-related conditions. This variant is present in population databases (rs745954026, gnomAD 0.04%). This sequence change replaces arginine, which is basic and polar, with histidine, which is basic and polar, at codon 853 of the ATP13A2 protein (p.Arg853His).

Illumina Laboratory Services, Illumina
Classification: Uncertain significance for Kufor-Rakeb syndrome. Last evaluated: 2018-01-13. Review status: criteria provided, single submitter. Criteria: ICSL Variant Classification Criteria 13 December 2019. Collection method: clinical testing. Allele origin: germline.

NM_022089.4(ATP13A2):c.2558G>A (p.Arg853His)

Gene: ATP13A2 (ATPase cation transporting 13A2; minus strand). Cytogenetic location: 1p36.13.
Variant type: single nucleotide variant.
Coding change: c.2558G>A on transcript NM_022089.4 (MANE Select); coding-DNA position 2558, G replaced by A.
Protein change: p.Arg853His; replaces arginine 853 with histidine.
Molecular consequence: missense variant.
Genome position (GRCh38, 1-based): chr1:16,989,742, C>T on the plus strand (G>A on the coding strand, the complement: ATP13A2 is on the minus strand). VCF-style: chr1-16989742-C-T. GRCh37 (hg19) VCF-style: chr1-17316237-C-T.
Other names: p.Arg853His; c.2543G>A, p.Arg848His (NM_001141973.3); c.2426G>A, p.Arg809His (NM_001141974.3); short protein forms R848H, R809H, R853H.
Identifiers: ClinVar variation 875293 (VCV000875293.12), dbSNP rs745954026, ClinGen allele CA636784.
Genomic context (GRCh38, chr1:16,989,742, plus strand): 5'-AGCACTCACTGAAGCTTCTGTAGCTCGCACACCAGCTCTGTCTTCTGCTCAGGGGCCATG[C>T]GGGCAAAGACAGTGCCCTGGACCAGGACCTGGGAGCACAGGGAGATGGGGGAGGGCTGAG-3'
Protein context (NP_071372.1, residues 843-863): KVLVQGTVFA[Arg853His]MAPEQKTELV